The following is an entry in ClinVar:

NM_014846.4(WASHC5):c.2225A>G (p.Lys742Arg)

Gene: WASHC5 (WASH complex subunit 5; minus strand). Cytogenetic location: 8q24.13.
Variant type: single nucleotide variant.
Coding change: c.2225A>G on transcript NM_014846.4 (MANE Select); coding-DNA position 2225, A replaced by G.
Protein change: p.Lys742Arg; replaces lysine 742 with arginine.
Molecular consequence: missense variant.
Genome position (GRCh38, 1-based): chr8:125,049,160, T>C on the plus strand (A>G on the coding strand, the complement: WASHC5 is on the minus strand). VCF-style: chr8-125049160-T-C. GRCh37 (hg19) VCF-style: chr8-126061402-T-C.
Other names: c.1781A>G, p.Lys594Arg (NM_001330609.2); short protein forms K594R, K742R.
Identifiers: ClinVar variation 3027212 (VCV003027212.22), dbSNP rs2537318171, ClinGen allele CA372189428.

ClinVar aggregate classification (germline): Uncertain significance (1 of 4 stars; one submission).

Submission:

CeGaT Center for Human Genetics Tuebingen
Classification: Uncertain significance. Last evaluated: 2024-02-01. Review status: criteria provided, single submitter. Criteria: CeGaT Center For Human Genetics Tuebingen Variant Classification Criteria Version 2. Collection method: clinical testing. Allele origin: germline. Affected: yes. Observed: 1 variant allele.
Comment: WASHC5: PM2